The following is an entry in ClinVar:

ClinVar aggregate classification (germline): Likely pathogenic. Review status: criteria provided, multiple submitters, no conflicts (2 of 4 stars). 2 submissions from 2 submitters: Likely pathogenic (2). Last evaluated 2021-08-06.

Conditions:
Microcephaly 2, primary, autosomal recessive, with or without cortical malformations. Also called: MICROCEPHALY 2, PRIMARY, AUTOSOMAL RECESSIVE, WITH CORTICAL MALFORMATIONS; WDR62 Primary Microcephaly. Identifiers: Orphanet 2512, MedGen C1858535, MONDO:0011435, OMIM 604317.

Submissions (2):

Illumina Laboratory Services, Illumina
Classification: Likely pathogenic for Microcephaly 2, primary, autosomal recessive, with or without cortical malformations. Last evaluated: 2021-08-06. Review status: criteria provided, single submitter. Criteria: ICSLVariantClassificationCriteria RUGD 01 April 2020. Collection method: clinical testing. Allele origin: unknown.
Comment: The WDR62 c.4234dupC p.(Leu1412ProfsTer2) variant causes a shift in the protein reading frame that is predicted to result in premature termination of the protein. Loss of normal protein function through either protein truncation or nonsense-mediated mRNA decay is expected. To our knowledge, this variant has not been reported in the peer-reviewed literature. Variants downstream of the p.(Leu1412ProfsTer2) variant have also been reported (Landrum et al. 2016; Zombor et al. 2019). This variant is reported in the Genome Aggregation Database in one allele at a frequency of 0.000024 in the African/African-American population (version 3.1.2). Based on the available evidence the c.4234dupC p.(Leu1412ProfsTer2) variant is classified as likely pathogenic for microcephaly with or without cortical malformations.

GeneDx
Classification: Likely pathogenic. Last evaluated: 2021-01-11. Review status: criteria provided, single submitter. Criteria: GeneDx Variant Classification Process June 2021. Collection method: clinical testing. Allele origin: germline. Affected: yes.
Comment: Frameshift variant predicted to result in protein truncation or nonsense-mediated decay in a gene for which loss-of-function is a known mechanism of disease; Not observed in large population cohorts (Lek et al., 2016); Has not been previously published as pathogenic or benign to our knowledge

NM_001083961.2(WDR62):c.4234dup (p.Leu1412fs)

Gene: WDR62 (WD repeat domain 62; plus strand). Cytogenetic location: 19q13.12.
Variant type: Duplication.
Coding change: c.4234dup on transcript NM_001083961.2 (MANE Select); coding-DNA position 4234, one base duplicated (C; older notation c.4234dupC).
Protein change: p.Leu1412fs; shifts the reading frame from leucine 1412.
Molecular consequence: frameshift variant.
Genome position (GRCh38, 1-based): chr19:36,104,598, C duplicated; the last of 4 consecutive C bases (chr19:36,104,595-36,104,598); duplicating any one gives the same sequence. VCF-style (leftmost placement, unchanged base first): chr19-36104594-T-TC. GRCh37 (hg19) VCF-style: chr19-36595496-T-TC.
Other names: c.4219dup, p.Leu1407fs (NM_173636.5); c.4234dupC (NM_001083961.1); short protein forms L1412fs, L1407fs.
Identifiers: ClinVar variation 817985 (VCV000817985.3), dbSNP rs1599851667, ClinGen allele CA915952293.
Genomic context (GRCh38, chr19:36,104,594, plus strand): 5'-ACAGGGCAGCCCTGCCCGCTGGAGTGAGCCCTGGGTGCCGGTTGAAGCCCTGCCCCCATC[T>TC]CCCCTTGAGCTGAGCAGGGTGGGGAACATCTTGCACAGGCTGCAGACCACCTTCCAAGAA-3'